The following is an entry in ClinVar:

ClinVar aggregate classification (germline): Uncertain significance (1 of 4 stars; one submission).

Conditions:
Hereditary pancreatitis (PCTT). Also called: Hereditary chronic pancreatitis; PRSS1-Related Hereditary Pancreatitis. Identifiers: Orphanet 676, MedGen C0238339, MONDO:0008185, OMIM 167800.

Submission:

Ambry Genetics
Classification: Uncertain significance for Hereditary pancreatitis. Last evaluated: 2025-12-21. Review status: criteria provided, single submitter. Criteria: Ambry Variant Classification Scheme 2023. Collection method: clinical testing. Allele origin: germline.
Comment: The p.A339V variant (also known as c.1016C>T), located in coding exon 9 of the CPA1 gene, results from a C to T substitution at nucleotide position 1016. The alanine at codon 339 is replaced by valine, an amino acid with similar properties. This amino acid position is conserved. In addition, this alteration is predicted to be tolerated by in silico analysis. Based on the available evidence, the clinical significance of this variant remains unclear.

NM_001868.4(CPA1):c.1016C>T (p.Ala339Val)

Gene: CPA1 (carboxypeptidase A1; plus strand). Cytogenetic location: 7q32.2.
Variant type: single nucleotide variant.
Coding change: c.1016C>T on transcript NM_001868.4 (MANE Select); coding-DNA position 1016, C replaced by T.
Protein change: p.Ala339Val; replaces alanine 339 with valine.
Molecular consequence: missense variant.
Genome position (GRCh38, 1-based): chr7:130,385,867, C>T. VCF-style: chr7-130385867-C-T. GRCh37 (hg19) VCF-style: chr7-130025708-C-T.
Other names: short protein forms A339V.
Identifiers: ClinVar variation 4841613 (VCV004841613.1).